The following is an entry in ClinVar:

NM_006231.4(POLE):c.5429A>G (p.His1810Arg)

Gene: POLE (DNA polymerase epsilon, catalytic subunit; minus strand). Cytogenetic location: 12q24.33.
Variant type: single nucleotide variant.
Coding change: c.5429A>G on transcript NM_006231.4 (MANE Select); coding-DNA position 5429, A replaced by G.
Protein change: p.His1810Arg; replaces histidine 1810 with arginine.
Molecular consequence: missense variant.
Genome position (GRCh38, 1-based): chr12:132,639,248, T>C on the plus strand (A>G on the coding strand, the complement: POLE is on the minus strand). VCF-style: chr12-132639248-T-C. GRCh37 (hg19) VCF-style: chr12-133215834-T-C.
Other names: c.5429A>G (NM_006231.2); short protein forms H1810R.
Identifiers: ClinVar variation 1414739 (VCV001414739.9), dbSNP rs777390504, ClinGen allele CA6892524.

ClinVar aggregate classification (germline): Conflicting classifications of pathogenicity. Review status: criteria provided, conflicting classifications (1 of 4 stars). 2 submissions from 2 submitters: Uncertain significance (1); Likely benign (1). Last evaluated 2024-05-26.

Conditions:
Hereditary cancer-predisposing syndrome. Also called: Hereditary Cancer Syndrome; Tumor predisposition; Hereditary neoplastic syndrome; Neoplastic Syndromes, Hereditary. Identifiers: Orphanet 140162, MedGen C0027672, MeSH D009386, MONDO:0015356.

Allele frequency attached by ClinVar (database versions not stated): gnomAD exomes below 0.00001; ExAC 0.00001.
gnomAD v4.1: 3 of 1,614,160 alleles (0.00019%); highest among the groups gnomAD compares: East Asian, 0.0022%; no homozygotes.

Submissions (2):

Ambry Genetics
Classification: Likely benign for Hereditary cancer-predisposing syndrome. Last evaluated: 2024-05-26. Review status: criteria provided, single submitter. Criteria: Ambry Variant Classification Scheme 2023. Collection method: clinical testing. Allele origin: germline.

Labcorp Genetics (formerly Invitae), Labcorp
Classification: Uncertain significance. Last evaluated: 2020-11-10. Review status: criteria provided, single submitter. Criteria: Invitae Variant Classification Sherloc (09022015). Collection method: clinical testing. Allele origin: germline.
Comment: In summary, the available evidence is currently insufficient to determine the role of this variant in disease. Therefore, it has been classified as a Variant of Uncertain Significance. Algorithms developed to predict the effect of missense changes on protein structure and function output the following: SIFT: "Tolerated"; PolyPhen-2: "Benign"; Align-GVGD: "Class C0". The arginine amino acid residue is found in multiple mammalian species, suggesting that this missense change does not adversely affect protein function. These predictions have not been confirmed by published functional studies and their clinical significance is uncertain. This variant has not been reported in the literature in individuals with POLE-related conditions. The frequency data for this variant in the population databases is considered unreliable, as metrics indicate poor data quality at this position in the ExAC database. This sequence change replaces histidine with arginine at codon 1810 of the POLE protein (p.His1810Arg). The histidine residue is moderately conserved and there is a small physicochemical difference between histidine and arginine.